The following is an entry in ClinVar:

ClinVar aggregate classification (germline): Pathogenic. Review status: criteria provided, multiple submitters, no conflicts (2 of 4 stars). 2 submissions from 2 submitters: Pathogenic (2). Last evaluated 2025-12-26.

Conditions:
Hereditary cancer-predisposing syndrome. Also called: Tumor predisposition; Hereditary Cancer Syndrome; Hereditary neoplastic syndrome; Neoplastic Syndromes, Hereditary. Identifiers: Orphanet 140162, MedGen C0027672, MeSH D009386, MONDO:0015356.
Hereditary diffuse gastric adenocarcinoma (HDGC). Also called: DIFFUSE GASTRIC AND LOBULAR BREAST CANCER SYNDROME. Identifiers: Orphanet 26106, MedGen C1708349, MONDO:0007648, OMIM 137215.

Submissions (2):

Ambry Genetics
Classification: Pathogenic for Hereditary cancer-predisposing syndrome. Last evaluated: 2025-12-26. Review status: criteria provided, single submitter. Criteria: Ambry Variant Classification Scheme 2023. Collection method: clinical testing. Allele origin: germline.
Comment: The p.W13* pathogenic mutation, (also known as c.39G>A), located in coding exon 1 of the CTNNA1 gene, results from a G to A substitution at nucleotide position 39. This changes the amino acid from a tryptophan to a stop codon within coding exon 1. This variant is considered to be rare based on population cohorts in the Genome Aggregation Database (gnomAD). This alteration is expected to result in loss of function by premature protein truncation or nonsense-mediated mRNA decay. As such, this alteration is interpreted as a disease-causing mutation.

Myriad Genetics, Inc.
Classification: Pathogenic for Hereditary diffuse gastric adenocarcinoma. Last evaluated: 2023-09-25. Review status: criteria provided, single submitter. Criteria: Myriad Autosomal Dominant, Autosomal Recessive and X-Linked Classification Criteria (2023). Collection method: clinical testing. Allele origin: unknown.
Comment: This variant is considered pathogenic. This variant creates a termination codon and is predicted to result in premature protein truncation.

NM_001903.5(CTNNA1):c.39G>A (p.Trp13Ter)

Gene: CTNNA1 (catenin alpha 1; plus strand). Cytogenetic location: 5q31.2.
Variant type: single nucleotide variant.
Coding change: c.39G>A on transcript NM_001903.5 (MANE Select); coding-DNA position 39, G replaced by A.
Protein change: p.Trp13Ter; replaces tryptophan 13 with a stop codon.
Molecular consequence: nonsense. On other transcripts: 5 prime UTR variant (2).
Genome position (GRCh38, 1-based): chr5:138,781,963, G>A. VCF-style: chr5-138781963-G-A. GRCh37 (hg19) VCF-style: chr5-138117652-G-A.
Other names: c.39G>A, p.Trp13Ter (NM_001290307.3, NM_001323982.2, NM_001323983.1 and 3 more transcripts); c.-75G>A (NM_001290309.3); c.-168G>A (NM_001290310.3); c.39G>A (NM_001903.2); short protein forms W13*.
Identifiers: ClinVar variation 2673339 (VCV002673339.3), dbSNP rs2532170453, ClinGen allele CA361477103.